The following continues an entry in ClinVar:

NM_004168.4(SDHA):c.91C>T (p.Arg31Ter)

Gene: SDHA. ClinVar aggregate classification (germline): Pathogenic/Likely pathogenic. Pathogenic (38); Likely pathogenic (3).

Submissions 34 to 53 of 53:

Department of Pediatrics, Memorial Sloan Kettering Cancer Center
Classification: Pathogenic for Pheochromocytoma/paraganglioma syndrome 5. Last evaluated: 2018-06-06. Review status: criteria provided, single submitter. Criteria: ACMG Guidelines, 2015. Collection method: clinical testing. Allele origin: germline. Inheritance: Autosomal dominant inheritance. Affected: yes. Observed: 9 variant alleles.
Comment: This mutation was observed in 9 patients in our cancer study. Additional supporting evidence for this mutation contributing to the specific cancers manifested by patients in our cohort, were in the settings of GIST and neuroblastoma. For patients with other cancer types in our cohort, this alteration is suggestive of an independent risk factor for cancers than experienced by the patients.

HudsonAlpha Institute for Biotechnology
Classification: Pathogenic for Pheochromocytoma/paraganglioma syndrome 5. Last evaluated: 2017-11-09. Review status: criteria provided, single submitter. Criteria: HA_assertions_20161101. Collection method: research. Allele origin: unknown. Observed: 1 variant allele. Study: CSER-HudsonAlpha.

St. Jude Molecular Pathology, St. Jude Children's Research Hospital
Classification: Pathogenic for Pilocytic astrocytoma. Last evaluated: 2017-08-24. Review status: criteria provided, single submitter. Criteria: ACMG Guidelines, 2015. Collection method: clinical testing. Allele origin: germline. Affected: yes.
Comment: This is a nonsense alteration in which a C is replaced by a T at coding nucleotide 91 and is predicted to change an Arginine to a premature stop codon at amino acid codon 31. Classification criteria: PVS1, PS1, PP5.

Geisinger Autism and Developmental Medicine Institute, Geisinger Health System
Classification: Pathogenic for Pheochromocytoma/paraganglioma syndrome 5. Last evaluated: 2017-06-10. Review status: criteria provided, single submitter. Criteria: ACMG Guidelines, 2015. Collection method: provider interpretation, clinical testing. Allele origin: paternal. Affected: no. Observed: 1 variant allele.
Comment: The R31X pathogenic variant in the SDHA gene has been reported previously in the heterozygous state in association with hereditary paraganglioma-pheochromocytoma syndrome (Korpershoek et al., 2011; Rattenberry et al., 2013; Batsis et al., 2016) and in individuals with gastrointestinal stromal tumors (Pantaleo et al., 2011; Wagner et al., 2013; Oudijk et al., 2013). This variant is predicted to cause loss of normal protein function either through protein truncation or nonsense-mediated mRNA decay.

Centre for Mendelian Genomics, University Medical Centre Ljubljana
Classification: Pathogenic for Leigh syndrome. Last evaluated: 2016-01-01. Review status: criteria provided, single submitter. Criteria: ACMG Guidelines, 2015. Collection method: clinical testing. Allele origin: unknown. Affected: yes.
Comment: This variant was classified as: Pathogenic. The following ACMG criteria were applied in classifying this variant: PVS1,PP4,PP5.

Genomics England Pilot Project, Genomics England
Classification: Likely pathogenic for Pheochromocytoma/paraganglioma syndrome 5. Review status: criteria provided, single submitter. Criteria: ACGS Guidelines, 2016. Collection method: clinical testing. Allele origin: germline. Affected: yes.

Imagene.me medical diagnostic laboratory, IMAGENE.ME SA
Classification: Pathogenic for Pheochromocytoma/paraganglioma syndrome 5. Review status: criteria provided, single submitter. Criteria: IMAGENE.ME Variant Classification SOP 2022. Collection method: clinical testing. Allele origin: germline.
Comment: Classified according to the IMAGENE.ME variant classification SOP based on the ACMG guidelines as Pathogenic (P): PVS1 + PP4 + PP5

Rady Children's Institute for Genomic Medicine, Rady Children's Hospital San Diego
Classification: Pathogenic for SDHA-related disorders. Review status: criteria provided, single submitter. Criteria: ACMG Guidelines, 2015. Collection method: clinical testing. Allele origin: germline. Affected: yes.
Comment: This nonsense variant found in exon 2 of 15 is predicted to result in loss of normal protein function through either protein truncation or nonsense-mediated mRNA decay (NMD). This variant has been reported in multiple individuals with gastrointestinal stromal tumors (GIST), paragangliomas (PGL), pheochromocytomas (PCC), Carney triad (PMID: 26173966), and non-PGL tumors (PMID: 21505157, 22955521, 23174939, 21752896, 23666964, 25494863, 26259135). This variant has also been reported as a compound heterozygous change in an individual diagnosed with autosomal-recessive complex II deficiency (PMID: 24781757). Functional studies showed that the presence of this variant caused reduced expression of SDHA protein and mitochondrial complex II enzyme activity (PMID: 24781757). Loss-of-function variants are an established mechanism of disease in SDHA-related disorders (HGMD, ClinVar database). The c.91C>T (p.Arg31Ter) variant is present in the heterozygous state in the gnomAD population database at a frequency of 0.021% (59/282590) and thus is presumed to be rare. Based on the available evidence, the c.91C>T (p.Arg31Ter) variant is classified as Pathogenic.

Exeter Genomics Laboratory, Royal Devon University Healthcare NHS Foundation Trust
Classification: Pathogenic for Inherited phaeochromocytoma and paraganglioma excluding NF1. Last evaluated: 2025-06-19. Review status: no assertion criteria provided. Collection method: clinical testing. Allele origin: germline. Affected: yes. Not counted in ClinVar's aggregate classification.

Undiagnosed Diseases Network, NIH
Classification: Pathogenic for Mitochondrial complex II deficiency, nuclear type 1. Last evaluated: 2022-08-04. Review status: no assertion criteria provided. Collection method: clinical testing. Allele origin: maternal. Affected: yes. Observed: 1 variant allele, 1 compound heterozygote. Study: Undiagnosed Diseases Network (NIH), UDN. Not counted in ClinVar's aggregate classification.

Human Genome Sequencing Center Clinical Lab, Baylor College of Medicine
Classification: Pathogenic for Rhabdomyosarcoma. Last evaluated: 2020-09-01. Review status: no assertion criteria provided. Collection method: provider interpretation. Allele origin: germline. Affected: yes. Not counted in ClinVar's aggregate classification.

Counsyl
Classification: Pathogenic for Pheochromocytoma/paraganglioma syndrome 5. Last evaluated: 2015-10-27. Review status: no assertion criteria provided. Collection method: clinical testing. Allele origin: unknown. Not counted in ClinVar's aggregate classification.

OMIM
Classification: Pathogenic for PHEOCHROMOCYTOMA/PARAGANGLIOMA SYNDROME 5. Last evaluated: 2011-09-01. Review status: no assertion criteria provided. Collection method: literature only. Allele origin: germline. Not counted in ClinVar's aggregate classification.

Clinical Genetics DNA and cytogenetics Diagnostics Lab, Erasmus MC, Erasmus Medical Center
Classification: Pathogenic. Review status: no assertion criteria provided. Collection method: clinical testing. Allele origin: germline. Affected: yes. Study: VKGL Data-share Consensus. Not counted in ClinVar's aggregate classification.

Diagnostic Laboratory, Department of Genetics, University Medical Center Groningen
Classification: Pathogenic. Review status: no assertion criteria provided. Collection method: clinical testing. Allele origin: germline. Affected: yes. Study: VKGL Data-share Consensus. Not counted in ClinVar's aggregate classification.

Genome Diagnostics Laboratory, Amsterdam University Medical Center
Classification: Pathogenic. Review status: no assertion criteria provided. Collection method: clinical testing. Allele origin: germline. Affected: yes. Study: VKGL Data-share Consensus. Not counted in ClinVar's aggregate classification.

Joint Genome Diagnostic Labs from Nijmegen and Maastricht, Radboudumc and MUMC+
Classification: Pathogenic. Review status: no assertion criteria provided. Collection method: clinical testing. Allele origin: germline. Affected: yes. Study: VKGL Data-share Consensus. Not counted in ClinVar's aggregate classification.

Laboratory of Diagnostic Genome Analysis, Leiden University Medical Center (LUMC)
Classification: Pathogenic. Review status: no assertion criteria provided. Collection method: clinical testing. Allele origin: germline. Affected: yes. Study: VKGL Data-share Consensus. Not counted in ClinVar's aggregate classification.

Section on Endocrinology and Genetics, National Institutes of Health / The Eunice Kennedy Shriver National Institute of Child Health and Human Development
Classification: Likely pathogenic for Carney triad. Review status: no assertion criteria provided. Collection method: clinical testing. Allele origin: germline. Affected: yes. Observed: 1 heterozygote. Study: Carney Triad. Not counted in ClinVar's aggregate classification.
Comment: rare cases of SDHx mutations in Carney Triad

Cambridge Genomics Laboratory, East Genomic Laboratory Hub, NHS Genomic Medicine Service
Classification: Uncertain significance for Intellectual disability. Last evaluated: 2020-01-13. Review status: flagged submission. Criteria: ACGS Best Practice Guidelines for Variant Classification in Rare Disease 2020. Collection method: clinical testing. Allele origin: germline. Affected: yes. Observed: 1 variant allele. Not counted in ClinVar's aggregate classification.
ClinVar note: Reason: Outlier claim with insufficient supporting evidence

Literature cited by the submitters: PubMed 22974104 (cited by 3 submitters); PubMed 24781757 (cited by 10 submitters); PubMed 21505157 (cited by 7 submitters); PubMed 21752896 (cited by 9 submitters); PubMed 22955521 (cited by 4 submitters); PubMed 23174939 (cited by 4 submitters); PubMed 23666964 (cited by 9 submitters); PubMed 25494863 (cited by 5 submitters); PubMed 26173966 (cited by 4 submitters); PubMed 26259135 (cited by 5 submitters); PubMed 23252569 (cited by Ambry Genetics); PubMed 23730622 (cited by Ambry Genetics); PubMed 26113600 (cited by Ambry Genetics); PubMed 26490314 (cited by Ambry Genetics and Quest Diagnostics Nichols Institute San Juan Capistrano); PubMed 27895137 (cited by Ambry Genetics); PubMed 28500238 (cited by 3 submitters); PubMed 28819017 (cited by 4 submitters); PubMed 29872718 (cited by Ambry Genetics); PubMed 30068732 (cited by 3 submitters); PubMed 33960148 (cited by 6 submitters); PubMed 29177515 (cited by 4 submitters); PubMed 29978154 (cited by 4 submitters); PubMed 29978187 (cited by 4 submitters); PubMed 31368675 (cited by 3 submitters); PubMed 32782288 (cited by Mayo Clinic Laboratories, Mayo Clinic); PubMed 35441217 (cited by Mayo Clinic Laboratories, Mayo Clinic); PubMed 29625052 (cited by Department of Pathology and Laboratory Medicine, Sinai Health System and AiLife Diagnostics); PubMed 32581362 (cited by Department of Pathology and Laboratory Medicine, Sinai Health System and AiLife Diagnostics); PubMed 33077847 (cited by Department of Pathology and Laboratory Medicine, Sinai Health System and AiLife Diagnostics); PubMed 33372952 (cited by 3 submitters); PubMed 33674644 (cited by 3 submitters); PubMed 35059314 (cited by Department of Pathology and Laboratory Medicine, Sinai Health System and Women's Health and Genetics/Laboratory Corporation of America, LabCorp); PubMed 30877234 (cited by AiLife Diagnostics); PubMed 31589614 (cited by AiLife Diagnostics); PubMed 31827275 (cited by AiLife Diagnostics); PubMed 26689913 (cited by AiLife Diagnostics); PubMed 25525159 (cited by AiLife Diagnostics); PubMed 23612575 (cited by “Giorgio Prodi” Cancer Research Center, University of Bologna and Geisinger Autism and Developmental Medicine Institute, Geisinger Health System); PubMed 20484225 (cited by Geisinger Autism and Developmental Medicine Institute, Geisinger Health System); PubMed 26269449 (cited by Geisinger Autism and Developmental Medicine Institute, Geisinger Health System); PubMed 28384794 (cited by Geisinger Autism and Developmental Medicine Institute, Geisinger Health System).